The following is an entry in ClinVar:

NM_003384.3(VRK1):c.1150A>G (p.Ile384Val)

Gene: VRK1 (VRK serine/threonine kinase 1; plus strand). Cytogenetic location: 14q32.2.
Variant type: single nucleotide variant.
Coding change: c.1150A>G on transcript NM_003384.3 (MANE Select); coding-DNA position 1150, A replaced by G.
Protein change: p.Ile384Val; replaces isoleucine 384 with valine.
Molecular consequence: missense variant.
Genome position (GRCh38, 1-based): chr14:96,876,111, A>G. VCF-style: chr14-96876111-A-G. GRCh37 (hg19) VCF-style: chr14-97342448-A-G.
Other names: short protein forms I384V.
Identifiers: ClinVar variation 212586 (VCV000212586.15), dbSNP rs147604836, ClinGen allele CA205973.

ClinVar aggregate classification (germline): Uncertain significance. Review status: criteria provided, multiple submitters, no conflicts (2 of 4 stars). 6 submissions from 6 submitters: Uncertain significance (5). 1 of the submissions does not count toward it. Last evaluated 2026-02-04.

Conditions:
VRK1-related disorder. Also called: VRK1-related condition.
Congenital pontocerebellar hypoplasia type 1. Also called: Pontocerebellar hypoplasia type 1. Identifiers: Orphanet 2254, MedGen C5442006, MONDO:0016396.
Inborn genetic diseases. Identifiers: MedGen C0950123, MeSH D030342.
Pontocerebellar hypoplasia type 1A (PCH1A). Also called: PONTOCEREBELLAR HYPOPLASIA WITH ANTERIOR HORN CELL DISEASE; PONTOCEREBELLAR HYPOPLASIA WITH INFANTILE SPINAL MUSCULAR ATROPHY. Identifiers: Orphanet 2254, Orphanet 88616, MedGen C1843504, MONDO:0011866, OMIM 607596.

Allele frequency attached by ClinVar (database versions not stated): TOPMed 0.00003; gnomAD 0.00004; gnomAD exomes 0.00011 and 0.00013; ESP Exome Variant Server 0.00023; ExAC 0.00024.
gnomAD v4.1: 161 of 1,613,500 alleles (0.01%); highest among the groups gnomAD compares: Non-Finnish European, 0.012%; no homozygotes.

Submissions (6):

GeneDx
Classification: Uncertain significance. Last evaluated: 2026-02-04. Review status: criteria provided, single submitter. Criteria: GeneDx Variant Classification Process June 2021. Collection method: clinical testing. Allele origin: germline. Affected: yes.
Comment: In silico analysis suggests that this missense variant does not alter protein structure/function; Missense variants in this gene are a common cause of disease and they are underrepresented in the general population; Has not been previously published as pathogenic or benign to our knowledge

PreventionGenetics, part of Exact Sciences
Classification: Uncertain significance for VRK1-related condition. Last evaluated: 2025-11-19. Review status: criteria provided, single submitter. Criteria: ACMG Guidelines, 2015. Collection method: clinical testing. Allele origin: germline.
Comment: The VRK1 c.1150A>G variant is predicted to result in the amino acid substitution p.Ile384Val. To our knowledge, this variant has not been reported in the literature. This variant is reported in 0.022% of alleles in individuals of European (Non-Finnish) descent in gnomAD. At this time, the clinical significance of this variant is uncertain due to the absence of conclusive functional and genetic evidence.

Ambry Genetics
Classification: Uncertain significance for Inborn genetic diseases. Last evaluated: 2024-11-14. Review status: criteria provided, single submitter. Criteria: Ambry Variant Classification Scheme 2023. Collection method: clinical testing. Allele origin: germline.

Labcorp Genetics (formerly Invitae), Labcorp
Classification: Uncertain significance for Pontocerebellar hypoplasia type 1A. Last evaluated: 2022-08-07. Review status: criteria provided, single submitter. Criteria: Invitae Variant Classification Sherloc (09022015). Collection method: clinical testing. Allele origin: germline.
Comment: This sequence change replaces isoleucine, which is neutral and non-polar, with valine, which is neutral and non-polar, at codon 384 of the VRK1 protein (p.Ile384Val). This variant is present in population databases (rs147604836, gnomAD 0.02%). This variant has not been reported in the literature in individuals affected with VRK1-related conditions. ClinVar contains an entry for this variant (Variation ID: 212586). Algorithms developed to predict the effect of missense changes on protein structure and function (SIFT, PolyPhen-2, Align-GVGD) all suggest that this variant is likely to be tolerated. In summary, the available evidence is currently insufficient to determine the role of this variant in disease. Therefore, it has been classified as a Variant of Uncertain Significance.

Genetic Services Laboratory, University of Chicago
Classification: Uncertain significance. Last evaluated: 2015-01-15. Review status: criteria provided, single submitter. Criteria: ACMG Guidelines, 2015. Collection method: clinical testing. Allele origin: germline.

Natera, Inc.
Classification: Uncertain significance for Pontocerebellar hypoplasia type 1. Last evaluated: 2020-04-18. Review status: no assertion criteria provided. Collection method: clinical testing. Allele origin: germline. Not counted in ClinVar's aggregate classification.